The following is an entry in ClinVar:

NM_001008537.3(NEXMIF):c.3314_3321del (p.Pro1105fs)

Gene: NEXMIF (neurite extension and migration factor; minus strand). Cytogenetic location: Xq13.3.
Variant type: Deletion.
Coding change: c.3314_3321del on transcript NM_001008537.3 (MANE Select); coding-DNA positions 3314 to 3321, 8 bases deleted (CATTGGAC; older notation c.3314_3321delCATTGGAC).
Protein change: p.Pro1105fs; shifts the reading frame from proline 1105.
Molecular consequence: frameshift variant.
Genome position (GRCh38, 1-based): chrX:74,741,236-74,741,243, GTCCAATG deleted on the plus strand (CATTGGAC on the coding strand, the reverse complement: NEXMIF is on the minus strand); deleting any 8 consecutive bases within chrX:74,741,236-74,741,247 gives the same sequence; the c. name uses the placement nearest the transcript's 3' end. VCF-style (leftmost placement, unchanged base first): chrX-74741235-TGTCCAATG-T. GRCh37 (hg19) VCF-style: chrX-73961070-TGTCCAATG-T.
Other names: short protein forms P1105fs.
Identifiers: ClinVar variation 1073587 (VCV001073587.7), dbSNP rs2147439558, ClinGen allele CA2499226850.

ClinVar aggregate classification (germline): Pathogenic (1 of 4 stars; one submission).

Submission:

Labcorp Genetics (formerly Invitae), Labcorp
Classification: Pathogenic. Last evaluated: 2020-10-10. Review status: criteria provided, single submitter. Criteria: Invitae Variant Classification Sherloc (09022015). Collection method: clinical testing. Allele origin: germline.
Comment: For these reasons, this variant has been classified as Pathogenic. Loss-of-function variants in NEXMIF are known to be pathogenic (PMID: 23615299). This variant has not been reported in the literature in individuals with NEXMIF-related conditions. This variant is not present in population databases (ExAC no frequency). This sequence change creates a premature translational stop signal (p.Pro1105Glnfs*26) in the NEXMIF gene. It is expected to result in an absent or disrupted protein product.

Literature cited by the submitters: PubMed 23615299.